The following is an entry in ClinVar:

ClinVar aggregate classification (germline): Likely pathogenic (1 of 4 stars; one submission).

Conditions:
Charcot-Marie-Tooth disease type 4A. Also called: Charcot-Marie-Tooth disease, demyelinating, autosomal recessive, type 4a. Identifiers: Orphanet 99948, MedGen C1859198, MONDO:0008961, OMIM 214400.

Submission:

Labcorp Genetics (formerly Invitae), Labcorp
Classification: Likely pathogenic for Charcot-Marie-Tooth disease type 4A. Last evaluated: 2024-01-09. Review status: criteria provided, single submitter. Criteria: Invitae Variant Classification Sherloc (09022015). Collection method: clinical testing. Allele origin: germline.
Comment: This sequence change replaces proline, which is neutral and non-polar, with serine, which is neutral and polar, at codon 153 of the GDAP1 protein (p.Pro153Ser). This variant is not present in population databases (gnomAD no frequency). This variant has not been reported in the literature in individuals affected with GDAP1-related conditions. ClinVar contains an entry for this variant (Variation ID: 1523298). An algorithm developed to predict the effect of missense changes on protein structure and function (PolyPhen-2) suggests that this variant is likely to be disruptive. This variant disrupts the p.Pro153 amino acid residue in GDAP1. Other variant(s) that disrupt this residue have been determined to be pathogenic (PMID: 18421898, 18504680, 28244113, 28751717; Invitae). This suggests that this residue is clinically significant, and that variants that disrupt this residue are likely to be disease-causing. In summary, the currently available evidence indicates that the variant is pathogenic, but additional data are needed to prove that conclusively. Therefore, this variant has been classified as Likely Pathogenic.

Literature cited by the submitters: PubMed 18421898; PubMed 18504680; PubMed 28244113; PubMed 28751717.

NM_018972.4(GDAP1):c.457C>T (p.Pro153Ser)

Gene: GDAP1 (ganglioside induced differentiation associated protein 1; plus strand). Cytogenetic location: 8q21.11.
Variant type: single nucleotide variant.
Coding change: c.457C>T on transcript NM_018972.4 (MANE Select); coding-DNA position 457, C replaced by T.
Protein change: p.Pro153Ser; replaces proline 153 with serine.
Molecular consequence: missense variant. On other transcripts: intron variant (1).
Genome position (GRCh38, 1-based): chr8:74,360,283, C>T. VCF-style: chr8-74360283-C-T. GRCh37 (hg19) VCF-style: chr8-75272518-C-T.
Other names: c.253C>T, p.Pro85Ser (NM_001040875.4); c.130C>T, p.Pro44Ser (NM_001362929.2, NM_001362932.2); c.457C>T, p.Pro153Ser (NM_001362931.2); c.311-1601C>T (NM_001362930.2); short protein forms P153S, P44S, P85S.
Identifiers: ClinVar variation 1523298 (VCV001523298.8), dbSNP rs2131512957, ClinGen allele CA371548911.